The following is an entry in ClinVar:

NM_004260.4(RECQL4):c.2650C>T (p.Gln884Ter)

Gene: RECQL4 (RecQ like helicase 4; minus strand). Cytogenetic location: 8q24.3.
Variant type: single nucleotide variant.
Coding change: c.2650C>T on transcript NM_004260.4 (MANE Select); coding-DNA position 2650, C replaced by T.
Protein change: p.Gln884Ter; replaces glutamine 884 with a stop codon.
Molecular consequence: nonsense.
Genome position (GRCh38, 1-based): chr8:144,512,952, G>A on the plus strand (C>T on the coding strand, the complement: RECQL4 is on the minus strand). VCF-style: chr8-144512952-G-A. GRCh37 (hg19) VCF-style: chr8-145738335-G-A.
Other names: c.1579C>T, p.Gln527Ter (NM_001413034.1, NM_001413035.1, NM_001413040.1 and 5 more transcripts); c.2650C>T, p.Gln884Ter (NM_001413036.1, NM_001413019.1); c.1447C>T, p.Gln483Ter (NM_001413037.1); c.1381C>T, p.Gln461Ter (NM_001413038.1, NM_001413031.1); c.2620C>T, p.Gln874Ter (NM_001413039.1); c.1513C>T, p.Gln505Ter (NM_001413041.1, NM_001413027.1, NM_001413030.1 and 1 more transcripts); c.1549C>T, p.Gln517Ter (NM_001413042.1); c.1183C>T, p.Gln395Ter (NM_001413043.1); and 6 more; short protein forms Q395*, Q461*, Q483*, Q505*, Q517*, Q527*, Q767*, Q786*.
Identifiers: ClinVar variation 2414630 (VCV002414630.6), dbSNP rs1391654044, ClinGen allele CA372675677.

ClinVar aggregate classification (germline): Pathogenic (1 of 4 stars; one submission).

Conditions:
Baller-Gerold syndrome (BGS). Also called: CRANIOSYNOSTOSIS WITH RADIAL DEFECTS. Identifiers: Orphanet 1225, MedGen C0265308, MONDO:0009039, OMIM 218600.

Submission:

Labcorp Genetics (formerly Invitae), Labcorp
Classification: Pathogenic for Baller-Gerold syndrome. Last evaluated: 2025-03-19. Review status: criteria provided, single submitter. Criteria: Invitae Variant Classification Sherloc (09022015). Collection method: clinical testing. Allele origin: germline.
Comment: This sequence change creates a premature translational stop signal (p.Gln884*) in the RECQL4 gene. It is expected to result in an absent or disrupted protein product. Loss-of-function variants in RECQL4 are known to be pathogenic (PMID: 12734318, 12952869). The frequency data for this variant in the population databases is considered unreliable, as metrics indicate poor data quality at this position in the gnomAD database. This variant has not been reported in the literature in individuals affected with RECQL4-related conditions. ClinVar contains an entry for this variant (Variation ID: 2414630). For these reasons, this variant has been classified as Pathogenic.

Literature cited by the submitters: PubMed 12734318; PubMed 12952869.